The following is an entry in ClinVar:

ClinVar aggregate classification (germline): Uncertain significance (1 of 4 stars; one submission).

Conditions:
Kabuki syndrome. Also called: Kabuki make-up syndrome; NIIKAWA-KUROKI SYNDROME. Identifiers: Orphanet 2322, MedGen C0796004, MONDO:0016512.

Submission:

Labcorp Genetics (formerly Invitae), Labcorp
Classification: Uncertain significance for Kabuki syndrome. Last evaluated: 2024-09-30. Review status: criteria provided, single submitter. Criteria: Invitae Variant Classification Sherloc (09022015). Collection method: clinical testing. Allele origin: germline.
Comment: This sequence change replaces glycine, which is neutral and non-polar, with alanine, which is neutral and non-polar, at codon 2265 of the KMT2D protein (p.Gly2265Ala). This variant is not present in population databases (gnomAD no frequency). This variant has not been reported in the literature in individuals affected with KMT2D-related conditions. ClinVar contains an entry for this variant (Variation ID: 1715816). Invitae Evidence Modeling of protein sequence and biophysical properties (such as structural, functional, and spatial information, amino acid conservation, physicochemical variation, residue mobility, and thermodynamic stability) indicates that this missense variant is not expected to disrupt KMT2D protein function with a negative predictive value of 95%. In summary, the available evidence is currently insufficient to determine the role of this variant in disease. Therefore, it has been classified as a Variant of Uncertain Significance.

NM_003482.4(KMT2D):c.6794G>C (p.Gly2265Ala)

Gene: KMT2D (lysine methyltransferase 2D; minus strand). Cytogenetic location: 12q13.12.
Variant type: single nucleotide variant.
Coding change: c.6794G>C on transcript NM_003482.4 (MANE Select); coding-DNA position 6794, G replaced by C.
Protein change: p.Gly2265Ala; replaces glycine 2265 with alanine.
Molecular consequence: missense variant.
Genome position (GRCh38, 1-based): chr12:49,040,976, C>G on the plus strand (G>C on the coding strand, the complement: KMT2D is on the minus strand). VCF-style: chr12-49040976-C-G. GRCh37 (hg19) VCF-style: chr12-49434759-C-G.
Other names: short protein forms G2265A.
Identifiers: ClinVar variation 1715816 (VCV001715816.5), dbSNP rs1943490521, ClinGen allele CA384749655.